The following is an entry in ClinVar:

NM_000135.4(FANCA):c.3586G>T (p.Glu1196Ter)

Gene: FANCA (FA complementation group A; minus strand). Cytogenetic location: 16q24.3.
Variant type: single nucleotide variant.
Coding change: c.3586G>T on transcript NM_000135.4 (MANE Select); coding-DNA position 3586, G replaced by T.
Protein change: p.Glu1196Ter; replaces glutamic acid 1196 with a stop codon.
Molecular consequence: nonsense.
Genome position (GRCh38, 1-based): chr16:89,744,999, C>A on the plus strand (G>T on the coding strand, the complement: FANCA is on the minus strand). VCF-style: chr16-89744999-C-A. GRCh37 (hg19) VCF-style: chr16-89811407-C-A.
Other names: c.3586G>T, p.Glu1196Ter (NM_001286167.3); short protein forms E1196*.
Identifiers: ClinVar variation 592052 (VCV000592052.9), dbSNP rs1390620949, ClinGen allele CA397485653.

ClinVar aggregate classification (germline): Pathogenic/Likely pathogenic. Review status: criteria provided, multiple submitters, no conflicts (2 of 4 stars). 3 submissions from 3 submitters: Pathogenic (1); Likely pathogenic (1). 1 of the submissions does not count toward it. Last evaluated 2022-06-19.

Conditions:
Fanconi anemia (FA). Also called: Fanconi's anemia. Identifiers: Orphanet 84, MedGen C0015625, MeSH D005199, MONDO:0019391.
Fanconi anemia complementation group A (FANCA). Also called: Fanconi anemia, group A; FANCA-Related Fanconi Anemia. Identifiers: Orphanet 84, MedGen C3469521, MONDO:0009215, OMIM 227650.

Submissions (3):

Baylor Genetics
Classification: Likely pathogenic for Fanconi anemia complementation group A. Last evaluated: 2022-06-19. Review status: criteria provided, single submitter. Criteria: ACMG Guidelines, 2015. Collection method: clinical testing. Allele origin: unknown.

Labcorp Genetics (formerly Invitae), Labcorp
Classification: Pathogenic for Fanconi anemia. Last evaluated: 2021-04-16. Review status: criteria provided, single submitter. Criteria: Invitae Variant Classification Sherloc (09022015). Collection method: clinical testing. Allele origin: germline.
Comment: For these reasons, this variant has been classified as Pathogenic. Algorithms developed to predict the effect of sequence changes on RNA splicing suggest that this variant may create or strengthen a splice site, but this prediction has not been confirmed by published transcriptional studies. This variant has been observed in individual(s) with Fanconi anemia (PMID: 29247345). ClinVar contains an entry for this variant (Variation ID: 592052). This variant is not present in population databases (ExAC no frequency). This sequence change creates a premature translational stop signal (p.Glu1196*) in the FANCA gene. It is expected to result in an absent or disrupted protein product. Loss-of-function variants in FANCA are known to be pathogenic (PMID: 19367192).

Gharavi Laboratory, Columbia University
Classification: Uncertain significance. Last evaluated: 2018-09-16. Review status: no assertion criteria provided. Criteria: ACMG Guidelines, 2015. Collection method: research. Allele origin: germline. Affected: yes. Not counted in ClinVar's aggregate classification.

Literature cited by the submitters: PubMed 29247345 (cited by Labcorp Genetics (formerly Invitae), Labcorp); PubMed 19367192 (cited by Labcorp Genetics (formerly Invitae), Labcorp).